The following is an entry in ClinVar:

NM_000051.4(ATM):c.7042dup (p.Thr2348fs)

Genes: ATM (ATM serine/threonine kinase; plus strand), C11orf65 (chromosome 11 open reading frame 65; minus strand). Cytogenetic location: 11q22.3.
Variant type: Duplication.
Coding change: c.7042dup on transcript NM_000051.4 (MANE Select); coding-DNA position 7042, one base duplicated (A; older notation c.7042dupA).
Protein change: p.Thr2348fs; shifts the reading frame from threonine 2348.
Molecular consequence: frameshift variant. On other transcripts: intron variant (2).
Genome position (GRCh38, 1-based): chr11:108,327,711, A duplicated; the last of 3 consecutive A bases (chr11:108,327,709-108,327,711); duplicating any one gives the same sequence. VCF-style (leftmost placement, unchanged base first): chr11-108327708-G-GA. GRCh37 (hg19) VCF-style: chr11-108198435-G-GA.
Other names: c.7042dup, p.Thr2348fs (NM_001351834.2); c.641-18638dup (NM_001330368.2); c.*38+7511dup (NM_001351110.2); short protein forms T2348fs.
Identifiers: ClinVar variation 3894090 (VCV003894090.1).
Genomic context (GRCh38, chr11:108,327,708, plus strand): 5'-AATCCCAGCCTAAAACTTACATACACAGAATGTCTGAGGGTTTGTGGCAACTGGTTAGCA[G>GA]AAACGTGCTTAGAAAATCCTGCGGTCATCATGCAGACCTATCTAGAAAAGGTAAGATTTT-3'

ClinVar aggregate classification (germline): Pathogenic (1 of 4 stars; one submission).

Conditions:
Hereditary cancer-predisposing syndrome. Also called: Neoplastic Syndromes, Hereditary; Tumor predisposition; Hereditary Cancer Syndrome; Hereditary neoplastic syndrome. Identifiers: Orphanet 140162, MedGen C0027672, MeSH D009386, MONDO:0015356.

Submission:

Color Diagnostics, LLC DBA Color Health
Classification: Pathogenic for Hereditary cancer-predisposing syndrome. Last evaluated: 2024-09-23. Review status: criteria provided, single submitter. Criteria: ACMG Guidelines, 2015. Collection method: clinical testing. Allele origin: germline.
Comment: This variant inserts 1 nucleotide in exon 48/63 of the ATM gene, creating a frameshift and premature translation stop signal. This variant is expected to result in an absent or non-functional protein product. To our knowledge, this variant has not been reported in individuals affected with ATM-related disorders in the literature. This variant has not been identified in the general population by the Genome Aggregation Database (gnomAD). Loss of ATM function is a known mechanism of disease. Based on the available evidence, this variant is classified as Pathogenic.